The following is an entry in ClinVar:

NM_001039876.3(SYNE4):c.972+2T>A

Gene: SYNE4 (spectrin repeat containing nuclear envelope family member 4; minus strand). Cytogenetic location: 19q13.12.
Variant type: single nucleotide variant.
Coding change: c.972+2T>A on transcript NM_001039876.3 (MANE Select); the canonical splice donor site of the intron after coding-DNA position 972, T replaced by A.
Molecular consequence: splice donor variant.
Genome position (GRCh38, 1-based): chr19:36,005,331, A>T on the plus strand (T>A on the coding strand, the complement: SYNE4 is on the minus strand). VCF-style: chr19-36005331-A-T. GRCh37 (hg19) VCF-style: chr19-36496233-A-T.
Other names: c.633+2T>A (NM_001297735.3).
Identifiers: ClinVar variation 3010424 (VCV003010424.3), dbSNP rs2514032024, ClinGen allele CA405430268.

ClinVar aggregate classification (germline): Likely pathogenic (1 of 4 stars; one submission).

Allele frequency attached by ClinVar (database versions not stated): gnomAD exomes below 0.00001.
gnomAD v4.1: 1 of 1,613,728 alleles (0.000062%); highest among the groups gnomAD compares: Non-Finnish European, 0.000085%; no homozygotes.

Submission:

Labcorp Genetics (formerly Invitae), Labcorp
Classification: Likely pathogenic. Last evaluated: 2023-09-19. Review status: criteria provided, single submitter. Criteria: Invitae Variant Classification Sherloc (09022015). Collection method: clinical testing. Allele origin: germline.
Comment: In summary, the currently available evidence indicates that the variant is pathogenic, but additional data are needed to prove that conclusively. Therefore, this variant has been classified as Likely Pathogenic. Algorithms developed to predict the effect of sequence changes on RNA splicing suggest that this variant may disrupt the consensus splice site. This variant has not been reported in the literature in individuals affected with SYNE4-related conditions. This variant is not present in population databases (gnomAD no frequency). This sequence change affects a donor splice site in intron 6 of the SYNE4 gene. It is expected to disrupt RNA splicing. Variants that disrupt the donor or acceptor splice site typically lead to a loss of protein function (PMID: 16199547), and loss-of-function variants in SYNE4 are known to be pathogenic (PMID: 23348741, 28958982).

Literature cited by the submitters: PubMed 16199547; PubMed 23348741; PubMed 28958982.